The following is an entry in ClinVar:

ClinVar aggregate classification (germline): Benign/Likely benign. Review status: criteria provided, multiple submitters, no conflicts (2 of 4 stars). 4 submissions from 4 submitters: Benign (2); Likely benign (2). Last evaluated 2026-05-27.

Conditions:
LRP5-related disorder. Also called: LRP5-related condition.

Allele frequency attached by ClinVar (database versions not stated): gnomAD 0.00012 and 0.00019; gnomAD exomes 0.00012 and 0.00031; TOPMed 0.00016; ExAC 0.00030; 1000 Genomes Project 0.00120; 1000 Genomes Project 30x 0.00141.
gnomAD v4.1: 227 of 1,614,104 alleles (0.014%); highest among the groups gnomAD compares: East Asian, 0.45%; 2 homozygotes.

Submissions (4):

Women's Health and Genetics/Laboratory Corporation of America, LabCorp
Classification: Benign. Last evaluated: 2026-05-27. Review status: criteria provided, single submitter. Criteria: LabCorp Variant Classification Summary - May 2015. Collection method: clinical testing. Allele origin: germline.

Labcorp Genetics (formerly Invitae), Labcorp
Classification: Benign. Last evaluated: 2025-12-11. Review status: criteria provided, single submitter. Criteria: Invitae Variant Classification Sherloc (09022015). Collection method: clinical testing. Allele origin: germline.

Blueprint Genetics
Classification: Likely benign. Last evaluated: 2024-10-15. Review status: criteria provided, single submitter. Criteria: ACMG Guidelines, 2015. Collection method: clinical testing. Allele origin: germline.

PreventionGenetics, part of Exact Sciences
Classification: Likely benign for LRP5-related condition. Last evaluated: 2024-10-08. Review status: criteria provided, single submitter. Criteria: ACMG Guidelines, 2015. Collection method: clinical testing. Allele origin: germline.
Comment: This variant is classified as likely benign based on ACMG/AMP sequence variant interpretation guidelines (Richards et al. 2015 PMID: 25741868, with internal and published modifications).

NM_002335.4(LRP5):c.384G>A (p.Glu128=)

Gene: LRP5 (LDL receptor related protein 5; plus strand). Cytogenetic location: 11q13.2.
Variant type: single nucleotide variant.
Coding change: c.384G>A on transcript NM_002335.4 (MANE Select); coding-DNA position 384, G replaced by A.
Protein change: p.Glu128=; no amino-acid change (glutamic acid 128 retained).
Molecular consequence: synonymous variant. On other transcripts: 5 prime UTR variant (1).
Genome position (GRCh38, 1-based): chr11:68,348,139, G>A. VCF-style: chr11-68348139-G-A. GRCh37 (hg19) VCF-style: chr11-68115607-G-A.
Other names: c.-1382G>A (NM_001291902.2).
Identifiers: ClinVar variation 736567 (VCV000736567.14), dbSNP rs138651503, ClinGen allele CA6148972.
Genomic context (GRCh38, chr11:68,348,139, plus strand): 5'-CTCTCCCGACGGCCTCGCCTGCGACTGGGTGGGCAAGAAGCTGTACTGGACGGACTCAGA[G>A]ACCAACCGCATCGAGGTGGCCAACCTCAATGGCACATCCCGGAAGGTGCTCTTCTGGCAG-3'
Protein context (NP_002326.2, residues 118-138): VGKKLYWTDS[Glu128=]TNRIEVANLN